The following is an entry in ClinVar:

NM_006859.4(LIAS):c.1037G>A (p.Gly346Asp)

Gene: LIAS (lipoic acid synthetase; plus strand). Cytogenetic location: 4p14.
Variant type: single nucleotide variant.
Coding change: c.1037G>A on transcript NM_006859.4 (MANE Select); coding-DNA position 1037, G replaced by A.
Protein change: p.Gly346Asp; replaces glycine 346 with aspartic acid.
Molecular consequence: missense variant. On other transcripts: intron variant (1).
Genome position (GRCh38, 1-based): chr4:39,473,182, G>A. VCF-style: chr4-39473182-G-A. GRCh37 (hg19) VCF-style: chr4-39474802-G-A.
Other names: c.908G>A, p.Gly303Asp (NM_001278590.2); c.728G>A, p.Gly243Asp (NM_001363700.2); c.954+1876G>A (NM_194451.3); short protein forms G243D, G303D, G346D.
Identifiers: ClinVar variation 1005537 (VCV001005537.6), dbSNP rs1745057681, ClinGen allele CA356665819.

ClinVar aggregate classification (germline): Uncertain significance (1 of 4 stars; one submission).

Conditions:
Lipoic acid synthetase deficiency. Also called: HYPERGLYCINEMIA, LACTIC ACIDOSIS, AND SEIZURES. Identifiers: Orphanet 401859, MedGen C3280887, MONDO:0013762, OMIM 614462.

Allele frequency attached by ClinVar (database versions not stated): gnomAD exomes 0.00004.
gnomAD v4.1: 52 of 1,612,656 alleles (0.0032%); highest among the groups gnomAD compares: Non-Finnish European, 0.0044%; no homozygotes.

Submission:

Labcorp Genetics (formerly Invitae), Labcorp
Classification: Uncertain significance for Lipoic acid synthetase deficiency. Last evaluated: 2024-02-24. Review status: criteria provided, single submitter. Criteria: Invitae Variant Classification Sherloc (09022015). Collection method: clinical testing. Allele origin: germline.
Comment: This sequence change replaces glycine, which is neutral and non-polar, with aspartic acid, which is acidic and polar, at codon 346 of the LIAS protein (p.Gly346Asp). This variant is not present in population databases (gnomAD no frequency). This variant has not been reported in the literature in individuals affected with LIAS-related conditions. ClinVar contains an entry for this variant (Variation ID: 1005537). Advanced modeling of protein sequence and biophysical properties (such as structural, functional, and spatial information, amino acid conservation, physicochemical variation, residue mobility, and thermodynamic stability) performed at Invitae indicates that this missense variant is expected to disrupt LIAS protein function with a positive predictive value of 80%. In summary, the available evidence is currently insufficient to determine the role of this variant in disease. Therefore, it has been classified as a Variant of Uncertain Significance.